The following is an entry in ClinVar:

ClinVar aggregate classification (germline): Uncertain significance (1 of 4 stars; one submission).

Conditions:
Suleiman-El-Hattab syndrome. Identifiers: MedGen C5436458, MONDO:0033532, OMIM 618950.

Submission:

Institute of Human Genetics, University of Goettingen
Classification: Uncertain significance for Suleiman-El-Hattab syndrome. Last evaluated: 2021-08-24. Review status: criteria provided, single submitter. Criteria: ACMG Guidelines, 2015. Collection method: clinical testing. Allele origin: inherited. Inheritance: Autosomal recessive inheritance. Observed: 1 variant allele, 1 homozygote.
Comment: The variant c.360G>T (p.(Met120Ile)) in exon 5 of the TASP1-gene is not found in the gnomAD database, it affects a highly conserved nucleotide, a highly conserved amino acid within a protein domain and there is a small physicochemical difference between Met and Ile. This variant has a pathogenic computational verdict based on 11 pathogenic predictions from BayesDel_addAF, DANN, DEOGEN2, EIGEN, FATHMM-MKL, LIST-S2, M-CAP, MutationAssessor, MutationTaster, PrimateAI and SIFT vs 1 benign prediction from MVP. ACMG criteria used for classification: PM2, PP3.

Literature cited by the submitters: PubMed 29633245; PubMed 31209944.

NM_017714.3(TASP1):c.360G>T (p.Met120Ile)

Gene: TASP1 (taspase 1; minus strand). Cytogenetic location: 20p12.1.
Variant type: single nucleotide variant.
Coding change: c.360G>T on transcript NM_017714.3 (MANE Select); coding-DNA position 360, G replaced by T.
Protein change: p.Met120Ile; replaces methionine 120 with isoleucine.
Molecular consequence: missense variant. On other transcripts: non-coding transcript variant (4), intron variant (1).
Genome position (GRCh38, 1-based): chr20:13,587,293, C>A on the plus strand (G>T on the coding strand, the complement: TASP1 is on the minus strand). VCF-style: chr20-13587293-C-A. GRCh37 (hg19) VCF-style: chr20-13567940-C-A.
Other names: c.54G>T, p.Met18Ile (NM_001323603.2, NM_001323604.2); c.282+36153G>T (NM_001323602.2); short protein forms M120I, M18I.
Identifiers: ClinVar variation 1210128 (VCV001210128.3), dbSNP rs2147255774, ClinGen allele CA408293649.
Genomic context (GRCh38, chr20:13,587,293, plus strand): 5'-TCATAATGCCCACATACCACTCAGTGCTCCAACTGCTCCAAAATTTAAGGATTTTCCATC[C>A]ATTATGCTGGCATCACACTCAATTTCACCTAACAGATTTAGATTAGATCCCATTCCTGCA-3'
Protein context (NP_060184.2, residues 110-130): LGEIECDASI[Met120Ile]DGKSLNFGAV